The following is an entry in ClinVar:

NM_002471.4(MYH6):c.1015G>A (p.Val339Met)

Gene: MYH6 (myosin heavy chain 6; minus strand). Cytogenetic location: 14q11.2.
Variant type: single nucleotide variant.
Coding change: c.1015G>A on transcript NM_002471.4 (MANE Select); coding-DNA position 1015, G replaced by A.
Protein change: p.Val339Met; replaces valine 339 with methionine.
Molecular consequence: missense variant.
Genome position (GRCh38, 1-based): chr14:23,402,590, C>T on the plus strand (G>A on the coding strand, the complement: MYH6 is on the minus strand). VCF-style: chr14-23402590-C-T. GRCh37 (hg19) VCF-style: chr14-23871799-C-T.
Other names: short protein forms V339M.
Identifiers: ClinVar variation 5025141 (VCV005025141.1).

ClinVar aggregate classification (germline): Uncertain significance (1 of 4 stars; one submission).

Conditions:
Cardiovascular phenotype. Identifiers: MedGen CN230736.

gnomAD v4.1: 34 of 1,613,788 alleles (0.0021%); highest among the groups gnomAD compares: East Asian, 0.0045%; no homozygotes.

Submission:

Ambry Genetics
Classification: Uncertain significance for Cardiovascular phenotype. Last evaluated: 2026-08-20. Review status: criteria provided, single submitter. Criteria: Ambry Variant Classification Scheme 2023. Collection method: clinical testing. Allele origin: germline.
Comment: The p.V339M variant (also known as c.1015G>A), located in coding exon 10 of the MYH6 gene, results from a G to A substitution at nucleotide position 1015. The valine at codon 339 is replaced by methionine, an amino acid with highly similar properties. This amino acid position is well conserved in available vertebrate species. In addition, this alteration is predicted to be tolerated by in silico analysis. Based on the available evidence, the clinical significance of this variant remains unclear.